The following is an entry in ClinVar:

NM_000222.3(KIT):c.127A>G (p.Lys43Glu)

Gene: KIT (KIT proto-oncogene, receptor tyrosine kinase; plus strand). Cytogenetic location: 4q12.
Variant type: single nucleotide variant.
Coding change: c.127A>G on transcript NM_000222.3 (MANE Select); coding-DNA position 127, A replaced by G.
Protein change: p.Lys43Glu; replaces lysine 43 with glutamic acid.
Molecular consequence: missense variant.
Genome position (GRCh38, 1-based): chr4:54,695,571, A>G. VCF-style: chr4-54695571-A-G. GRCh37 (hg19) VCF-style: chr4-55561737-A-G.
Other names: c.127A>G, p.Lys43Glu (NM_001093772.2, NM_001385284.1, NM_001385285.1 and 4 more transcripts); short protein forms K43E.
Identifiers: ClinVar variation 657410 (VCV000657410.13), dbSNP rs770727656, ClinGen allele CA2923165.

ClinVar aggregate classification (germline): Uncertain significance. Review status: criteria provided, multiple submitters, no conflicts (2 of 4 stars). 2 submissions from 2 submitters: Uncertain significance (2). Last evaluated 2025-05-19.

Conditions:
Hereditary cancer-predisposing syndrome. Also called: Neoplastic Syndromes, Hereditary; Tumor predisposition; Hereditary Cancer Syndrome; Hereditary neoplastic syndrome. Identifiers: Orphanet 140162, MedGen C0027672, MeSH D009386, MONDO:0015356.
Gastrointestinal stromal tumor. Also called: Gastrointestinal stromal tumor, somatic; Gastrointestinal stroma tumor. Identifiers: Orphanet 44890, MedGen C0238198, MeSH D046152, MONDO:0011719, OMIM 606764, HP:0100723.

Allele frequency attached by ClinVar (database versions not stated): gnomAD exomes below 0.00001 and 0.00001; ExAC 0.00002.
gnomAD v4.1: 1 of 1,614,242 alleles (0.000062%); highest among the groups gnomAD compares: East Asian, 0.0022%; no homozygotes.

Submissions (2):

Labcorp Genetics (formerly Invitae), Labcorp
Classification: Uncertain significance for Gastrointestinal stromal tumor. Last evaluated: 2025-05-19. Review status: criteria provided, single submitter. Criteria: Invitae Variant Classification Sherloc (09022015). Collection method: clinical testing. Allele origin: germline.
Comment: This sequence change replaces lysine, which is basic and polar, with glutamic acid, which is acidic and polar, at codon 43 of the KIT protein (p.Lys43Glu). This variant is present in population databases (rs770727656, gnomAD 0.01%). This variant has not been reported in the literature in individuals affected with KIT-related conditions. ClinVar contains an entry for this variant (Variation ID: 657410). An algorithm developed to predict the effect of missense changes on protein structure and function outputs the following: PolyPhen-2: "Benign". The glutamic acid amino acid residue is found in multiple mammalian species, which suggests that this missense change does not adversely affect protein function. In summary, the available evidence is currently insufficient to determine the role of this variant in disease. Therefore, it has been classified as a Variant of Uncertain Significance.

Ambry Genetics
Classification: Uncertain significance for Hereditary cancer-predisposing syndrome. Last evaluated: 2021-10-26. Review status: criteria provided, single submitter. Criteria: Ambry Variant Classification Scheme 2023. Collection method: clinical testing. Allele origin: germline.
Comment: The p.K43E variant (also known as c.127A>G), located in coding exon 2 of the KIT gene, results from an A to G substitution at nucleotide position 127. The lysine at codon 43 is replaced by glutamic acid, an amino acid with similar properties. This amino acid position is conserved. In addition, this alteration is predicted to be tolerated by in silico analysis. Since supporting evidence is limited at this time, the clinical significance of this alteration remains unclear.